The following is an entry in ClinVar:

NM_024513.4(FYCO1):c.3234C>A (p.Asp1078Glu)

Gene: FYCO1 (FYVE and coiled-coil domain autophagy adaptor 1; minus strand). Cytogenetic location: 3p21.31.
Variant type: single nucleotide variant.
Coding change: c.3234C>A on transcript NM_024513.4 (MANE Select); coding-DNA position 3234, C replaced by A.
Protein change: p.Asp1078Glu; replaces aspartic acid 1078 with glutamic acid.
Molecular consequence: missense variant.
Genome position (GRCh38, 1-based): chr3:45,964,371, G>T on the plus strand (C>A on the coding strand, the complement: FYCO1 is on the minus strand). VCF-style: chr3-45964371-G-T. GRCh37 (hg19) VCF-style: chr3-46005863-G-T.
Other names: short protein forms D1078E.
Identifiers: ClinVar variation 345504 (VCV000345504.11), dbSNP rs6795530, ClinGen allele CA2352850.

ClinVar aggregate classification (germline): Benign. Review status: criteria provided, multiple submitters, no conflicts (2 of 4 stars). 2 submissions from 2 submitters: Benign (2). Last evaluated 2025-09-19.

Conditions:
Cataract 18 (CATC2). Also called: CATARACT 18, AUTOSOMAL RECESSIVE. Identifiers: Orphanet 91492, Orphanet 98991, Orphanet 98992, Orphanet 98995, MedGen C1864908, MONDO:0012395, OMIM 610019.

Allele frequency attached by ClinVar (database versions not stated): gnomAD exomes 0.00030 and 0.00085; ExAC 0.00101; gnomAD 0.00356 and 0.00381; TOPMed 0.00362; ESP Exome Variant Server 0.00492; 1000 Genomes Project 0.00280; 1000 Genomes Project 30x 0.00281.
gnomAD v4.1: 1,015 of 1,614,078 alleles (0.063%); highest among the groups gnomAD compares: African/African-American, 1.2%; 7 homozygotes.

Submissions (2):

Labcorp Genetics (formerly Invitae), Labcorp
Classification: Benign for Cataract 18. Last evaluated: 2025-09-19. Review status: criteria provided, single submitter. Criteria: Invitae Variant Classification Sherloc (09022015). Collection method: clinical testing. Allele origin: germline.

Illumina Laboratory Services, Illumina
Classification: Benign for Cataract 18. Last evaluated: 2018-01-13. Review status: criteria provided, single submitter. Criteria: ICSL Variant Classification Criteria 13 December 2019. Collection method: clinical testing. Allele origin: germline.
Comment: This variant was observed in the ICSL laboratory as part of a predisposition screen in an ostensibly healthy population. It had not been previously curated by ICSL or reported in the Human Gene Mutation Database (HGMD: prior to June 1st, 2018), and was therefore a candidate for classification through an automated scoring system. Utilizing variant allele frequency, disease prevalence and penetrance estimates, and inheritance mode, an automated score was calculated to assess if this variant is too frequent to cause the disease. Based on the score and internal cut-off values, a variant classified as benign is not then subjected to further curation. The score for this variant resulted in a classification of benign for this disease.